The following is an entry in ClinVar:

ClinVar aggregate classification (germline): Likely pathogenic (1 of 4 stars; one submission).

Submission:

GeneDx
Classification: Likely pathogenic. Last evaluated: 2025-08-08. Review status: criteria provided, single submitter. Criteria: GeneDx Variant Classification Process June 2021. Collection method: clinical testing. Allele origin: germline. Affected: yes.
Comment: Frameshift variant predicted to result in abnormal protein length as the last 79 amino acid(s) are replaced with 39 different amino acid(s), and other similar variants have been reported in HGMD; Not observed at significant frequency in large population cohorts (gnomAD); Has not been previously published as pathogenic or benign to our knowledge

NM_001308093.3(GATA4):c.1092del (p.Ile365fs)

Gene: GATA4 (GATA binding protein 4). Cytogenetic location: 8p23.1.
Variant type: Deletion.
Coding change: c.1092del on transcript NM_001308093.3 (MANE Select); coding-DNA position 1092, one base deleted.
Protein change: p.Ile365fs; shifts the reading frame from isoleucine 365.
Molecular consequence: frameshift variant.
Genome position: GRCh38 VCF-style: chr8-11757023-TC-T. GRCh37 (hg19) VCF-style: chr8-11614532-TC-T.
Other names: c.471del, p.Ile158fs (NM_001308094.2, NM_001374273.1); c.345del, p.Ile116fs (NM_001374274.1); c.1089del, p.Ile364fs (NM_002052.5); short protein forms I116fs, I158fs, I364fs, I365fs.
Identifiers: ClinVar variation 3780988 (VCV003780988.2).
Genomic context (GRCh38, chr8:11,757,023, plus strand): 5'-CGCCAGCGGTGCTTCCAGCAACTCCAGCAACGCCACCACCAGCAGCAGCGAGGAGATGCG[TC>T]CCATCAAGACGGAGCCTGGCCTGTCATCTCACTACGGGCACAGCAGCTCCGTGTCCCAGG-3'